The following is an entry in ClinVar:

NM_182643.3(DLC1):c.3977A>G (p.Gln1326Arg)

Genes: DLC1 (DLC1 Rho GTPase activating protein; minus strand), LOC126860305 (MED14-independent group 3 enhancer GRCh37_chr8:12947375-12948574; plus strand). Cytogenetic location: 8p22.
Variant type: single nucleotide variant.
Coding change: c.3977A>G on transcript NM_182643.3 (MANE Select); coding-DNA position 3977, A replaced by G.
Protein change: p.Gln1326Arg; replaces glutamine 1326 with arginine.
Molecular consequence: missense variant.
Genome position (GRCh38, 1-based): chr8:13,090,349, T>C on the plus strand (A>G on the coding strand, the complement: DLC1 is on the minus strand). VCF-style: chr8-13090349-T-C. GRCh37 (hg19) VCF-style: chr8-12947858-T-C.
Other names: c.2417A>G, p.Gln806Arg (NM_001413131.1, NM_001413137.1); c.2903A>G, p.Gln968Arg (NM_001413132.1); c.2444A>G, p.Gln815Arg (NM_001413133.1, NM_001413138.1, NM_001164271.2 and 6 more transcripts); c.2666A>G, p.Gln889Arg (NM_001413135.1, NM_001413139.1, NM_006094.5); c.2801A>G, p.Gln934Arg (NM_001413140.1); c.2768A>G, p.Gln923Arg (NM_001316668.2); c.3977A>G, p.Gln1326Arg (NM_001348081.2, NM_001413124.1); c.2759A>G, p.Gln920Arg (NM_001413130.1); short protein forms Q1326R, Q923R, Q968R, Q815R, Q934R, Q806R, Q889R, Q920R.
Identifiers: ClinVar variation 2130938 (VCV002130938.4), dbSNP rs2536964464, ClinGen allele CA370340887.

ClinVar aggregate classification (germline): Uncertain significance (1 of 4 stars; one submission).

Allele frequency attached by ClinVar (database versions not stated): gnomAD exomes below 0.00001.
gnomAD v4.1: 3 of 1,614,186 alleles (0.00019%); highest among the groups gnomAD compares: Non-Finnish European, 0.00025%; no homozygotes.

Submission:

Labcorp Genetics (formerly Invitae), Labcorp
Classification: Uncertain significance. Last evaluated: 2023-08-04. Review status: criteria provided, single submitter. Criteria: Invitae Variant Classification Sherloc (09022015). Collection method: clinical testing. Allele origin: germline.
Comment: An algorithm developed to predict the effect of missense changes on protein structure and function (PolyPhen-2) suggests that this variant is likely to be disruptive. ClinVar contains an entry for this variant (Variation ID: 2130938). This variant has not been reported in the literature in individuals affected with DLC1-related conditions. This variant is not present in population databases (gnomAD no frequency). This sequence change replaces glutamine, which is neutral and polar, with arginine, which is basic and polar, at codon 1326 of the DLC1 protein (p.Gln1326Arg). In summary, the available evidence is currently insufficient to determine the role of this variant in disease. Therefore, it has been classified as a Variant of Uncertain Significance.